The following is an entry in ClinVar:

ClinVar aggregate classification (germline): Uncertain significance. Review status: criteria provided, single submitter (1 of 4 stars). 2 submissions from 2 submitters: Uncertain significance (1). 1 of the submissions does not count toward it. Last evaluated 2025-02-27.

Conditions:
Charcot-Marie-Tooth disease X-linked dominant 1. Also called: Charcot-Marie-Tooth Neuropathy X Type 1; X-linked Charcot-Marie-Tooth disease type 1; GJB1 Disorders: Charcot-Marie-Tooth Neuropathy (CMT1X) and Central Nervous System Phenotypes; CHARCOT-MARIE-TOOTH NEUROPATHY, X-LINKED, 1; CHARCOT-MARIE-TOOTH PERONEAL MUSCULAR ATROPHY, X-LINKED; HEREDITARY MOTOR AND SENSORY NEUROPATHY, X-LINKED. Identifiers: Orphanet 101075, MedGen C0393808, MONDO:0010549, OMIM 302800.
Charcot-Marie-Tooth disease. Also called: Charcot-Marie-Tooth Hereditary Neuropathy; Charcot-Marie-Tooth Neuropathy. Identifiers: Orphanet 166, MedGen C0007959, MONDO:0015626.

Submissions (2):

Department of Human Genetics, Hannover Medical School
Classification: Uncertain significance for Charcot-Marie-Tooth disease X-linked dominant 1. Last evaluated: 2025-02-27. Review status: criteria provided, single submitter. Criteria: ACMG Guidelines, 2015. Collection method: clinical testing. Allele origin: germline. Affected: yes.
Comment: ACMG: PS2_Supporting, PM2_Supporting, PP3

Inherited Neuropathy Consortium
Classification: Uncertain significance for Charcot-Marie-Tooth disease. Review status: no assertion criteria provided. Collection method: literature only. Allele origin: germline. Affected: yes. Not counted in ClinVar's aggregate classification.

Literature cited by the submitters: PubMed 21149811 (cited by Inherited Neuropathy Consortium).

NM_000166.6(GJB1):c.-16-3C>G

Gene: GJB1 (gap junction protein beta 1; plus strand). Cytogenetic location: Xq13.1.
Variant type: single nucleotide variant.
Coding change: c.-16-3C>G on transcript NM_000166.6 (MANE Select); 3 bases into the intron before 16 bases upstream of the start codon, C replaced by G.
Molecular consequence: intron variant.
Genome position (GRCh38, 1-based): chrX:71,223,689, C>G. VCF-style: chrX-71223689-C-G. GRCh37 (hg19) VCF-style: chrX-70443539-C-G.
Other names: c.-16-3C>G (NM_001097642.3).
Identifiers: ClinVar variation 637570 (VCV000637570.2), dbSNP rs1602348508, ClinGen allele CA915951168.